The following is an entry in ClinVar:

ClinVar aggregate classification (germline): Pathogenic. Review status: reviewed by expert panel (3 of 4 stars). 2 submissions from 2 submitters: Pathogenic (1). 1 of the submissions does not count toward it. Last evaluated 2013-09-05.

Conditions:
Lynch syndrome. Identifiers: Orphanet 144, MedGen C4552100, MONDO:0005835. Disease mechanism: loss of function.

Submissions (2):

International Society for Gastrointestinal Hereditary Tumours (InSiGHT)
Classification: Pathogenic for Lynch Syndrome. Last evaluated: 2013-09-05. Review status: reviewed by expert panel. Criteria: Guidelines v1.9. Collection method: research. Allele origin: germline.
Comment: Coding sequence variation resulting in a stop codon

Classified with v1.9 guidelines

Clinical and Functional Genomics Group, A.C.Camargo Cancer Center
Classification: Pathogenic for Lynch syndrome. Last evaluated: 2019-01-30. Review status: criteria provided, single submitter. Criteria: Carneiro da Silva F et al. (PLoS One 2015). Collection method: research. Allele origin: germline. Affected: yes. Observed: 1 variant allele. Not counted in ClinVar's aggregate classification.

NM_000179.3(MSH6):c.2379_2380del (p.Ala794fs)

Gene: MSH6 (mutS homolog 6; plus strand). Cytogenetic location: 2p16.3.
Variant type: Deletion.
Coding change: c.2379_2380del on transcript NM_000179.3 (MANE Select); coding-DNA positions 2379 to 2380, 2 bases deleted (TG; older notation c.2379_2380delTG).
Protein change: p.Ala794fs; shifts the reading frame from alanine 794.
Molecular consequence: frameshift variant.
Genome position (GRCh38, 1-based): chr2:47,800,362-47,800,363, TG deleted. VCF-style (leftmost placement, unchanged base first): chr2-47800361-ATG-A. GRCh37 (hg19) VCF-style: chr2-48027500-ATG-A.
Other names: c.2379_2380delTG (NM_000179.2); c.1989_1990del, p.Ala664fs (NM_001281492.2); c.1473_1474del, p.Ala492fs (NM_001281493.2, NM_001281494.2); short protein forms A492fs, A664fs.
Identifiers: ClinVar variation 89277 (VCV000089277.4), dbSNP rs587779237, ClinGen allele CA010147.
Genomic context (GRCh38, chr2:47,800,361, plus strand): 5'-TCCTAAAGCAATGGCTTTGTGCCCCACTCTGTAACCATTATGCTATTAATGATCGTCTAG[ATG>A]CCATAGAAGACCTCATGGTTGTGCCTGACAAAATCTCCGAAGTTGTAGAGCTTCTAAAGA-3'